The following is an entry in ClinVar:

NM_014915.3(ANKRD26):c.2911A>G (p.Ile971Val)

Gene: ANKRD26 (ankyrin repeat domain 26; minus strand). Cytogenetic location: 10p12.1.
Variant type: single nucleotide variant.
Coding change: c.2911A>G on transcript NM_014915.3 (MANE Select); coding-DNA position 2911, A replaced by G.
Protein change: p.Ile971Val; replaces isoleucine 971 with valine.
Molecular consequence: missense variant.
Genome position (GRCh38, 1-based): chr10:27,035,539, T>C on the plus strand (A>G on the coding strand, the complement: ANKRD26 is on the minus strand). VCF-style: chr10-27035539-T-C. GRCh37 (hg19) VCF-style: chr10-27324468-T-C.
Other names: c.2908A>G, p.Ile970Val (NM_001256053.2); short protein forms I971V, I970V.
Identifiers: ClinVar variation 2169392 (VCV002169392.5), dbSNP rs1012198828, ClinGen allele CA204449600.

ClinVar aggregate classification (germline): Uncertain significance. Review status: criteria provided, multiple submitters, no conflicts (2 of 4 stars). 2 submissions from 2 submitters: Uncertain significance (2). Last evaluated 2024-12-08.

Conditions:
Inborn genetic diseases. Identifiers: MedGen C0950123, MeSH D030342.

Allele frequency attached by ClinVar (database versions not stated): gnomAD exomes below 0.00001.
gnomAD v4.1: 3 of 1,613,998 alleles (0.00019%); highest among the groups gnomAD compares: Non-Finnish European, 0.00017%; no homozygotes.

Submissions (2):

Ambry Genetics
Classification: Uncertain significance for Inborn genetic diseases. Last evaluated: 2024-12-08. Review status: criteria provided, single submitter. Criteria: Ambry Variant Classification Scheme 2023. Collection method: clinical testing. Allele origin: germline.
Comment: The p.I971V variant (also known as c.2911A>G), located in coding exon 24 of the ANKRD26 gene, results from an A to G substitution at nucleotide position 2911. The isoleucine at codon 971 is replaced by valine, an amino acid with highly similar properties. This amino acid position is conserved. In addition, this alteration is predicted to be tolerated by in silico analysis. Based on the available evidence, the clinical significance of this variant remains unclear.

Labcorp Genetics (formerly Invitae), Labcorp
Classification: Uncertain significance. Last evaluated: 2022-09-07. Review status: criteria provided, single submitter. Criteria: Invitae Variant Classification Sherloc (09022015). Collection method: clinical testing. Allele origin: germline.
Comment: In summary, the available evidence is currently insufficient to determine the role of this variant in disease. Therefore, it has been classified as a Variant of Uncertain Significance. This sequence change replaces isoleucine, which is neutral and non-polar, with valine, which is neutral and non-polar, at codon 971 of the ANKRD26 protein (p.Ile971Val). This variant is not present in population databases (gnomAD no frequency). This variant has not been reported in the literature in individuals affected with ANKRD26-related conditions. Algorithms developed to predict the effect of missense changes on protein structure and function output the following: SIFT: "Tolerated"; PolyPhen-2: "Benign"; Align-GVGD: "Class C0". The valine amino acid residue is found in multiple mammalian species, which suggests that this missense change does not adversely affect protein function.